The following is an entry in ClinVar:

NM_000059.4(BRCA2):c.4655G>A (p.Gly1552Asp)

Gene: BRCA2 (BRCA2 DNA repair associated; plus strand). Cytogenetic location: 13q13.1.
Variant type: single nucleotide variant.
Coding change: c.4655G>A on transcript NM_000059.4 (MANE Select); coding-DNA position 4655, G replaced by A.
Protein change: p.Gly1552Asp; replaces glycine 1552 with aspartic acid.
Molecular consequence: missense variant.
Genome position (GRCh38, 1-based): chr13:32,339,010, G>A. VCF-style: chr13-32339010-G-A. GRCh37 (hg19) VCF-style: chr13-32913147-G-A.
Other names: short protein forms G1552D.
Identifiers: ClinVar variation 462353 (VCV000462353.15), dbSNP rs80358696, ClinGen allele CA387782214.
Genomic context (GRCh38, chr13:32,339,010, plus strand): 5'-TTAAAATTGCAAAGGAATCTTTGGACAAAGTGAAAAACCTTTTTGATGAAAAAGAGCAAG[G>A]TACTAGTGAAATCACCAGTTTTAGCCATCAATGGGCAAAGACCCTAAAGTACAGAGAGGC-3'
Protein context (NP_000050.3, residues 1542-1562): VKNLFDEKEQ[Gly1552Asp]TSEITSFSHQ

ClinVar aggregate classification (germline): Conflicting classifications of pathogenicity. Review status: criteria provided, conflicting classifications (1 of 4 stars). 3 submissions from 3 submitters: Uncertain significance (1); Likely benign (2). Last evaluated 2024-07-11.

Conditions:
Hereditary cancer-predisposing syndrome. Also called: Neoplastic Syndromes, Hereditary; Hereditary Cancer Syndrome; Hereditary neoplastic syndrome; Tumor predisposition. Identifiers: Orphanet 140162, MedGen C0027672, MeSH D009386, MONDO:0015356.
Hereditary breast ovarian cancer syndrome. Also called: Hereditary breast and ovarian cancer syndrome (HBOC); Hereditary breast and ovarian cancer syndrome; Breast and ovarian cancer; Hereditary breast and/or ovarian cancer syndrome; Hereditary breast and ovarian cancer; BRCA1- and BRCA2-Associated Hereditary Breast and Ovarian Cancer. Identifiers: Orphanet 145, MedGen C0677776, MeSH D061325, MONDO:0003582. Disease mechanism: loss of function.

gnomAD v4.1: 1 of 1,613,918 alleles (0.000062%); highest among the groups gnomAD compares: Non-Finnish European, 0.000085%; no homozygotes.

Submissions (3):

Labcorp Genetics (formerly Invitae), Labcorp
Classification: Uncertain significance for Hereditary breast ovarian cancer syndrome. Last evaluated: 2024-07-11. Review status: criteria provided, single submitter. Criteria: Invitae Variant Classification Sherloc (09022015). Collection method: clinical testing. Allele origin: germline.
Comment: This sequence change replaces glycine, which is neutral and non-polar, with aspartic acid, which is acidic and polar, at codon 1552 of the BRCA2 protein (p.Gly1552Asp). This variant is not present in population databases (gnomAD no frequency). This variant has not been reported in the literature in individuals affected with BRCA2-related conditions. ClinVar contains an entry for this variant (Variation ID: 462353). Advanced modeling of protein sequence and biophysical properties (such as structural, functional, and spatial information, amino acid conservation, physicochemical variation, residue mobility, and thermodynamic stability) performed at Invitae indicates that this missense variant is not expected to disrupt BRCA2 protein function with a negative predictive value of 95%. In summary, the available evidence is currently insufficient to determine the role of this variant in disease. Therefore, it has been classified as a Variant of Uncertain Significance.

University of Washington Department of Laboratory Medicine, University of Washington
Classification: Likely benign for Hereditary cancer-predisposing syndrome. Last evaluated: 2023-03-23. Review status: criteria provided, single submitter. Criteria: Dines et al. (Genet Med. 2020). Collection method: curation. Allele origin: germline.
Comment: Missense variant in a coldspot region where missense variants are very unlikely to be pathogenic (PMID:31911673).

BRCA2 exon 11 coldspot. Reclassification based on statistical prior probability.

Ambry Genetics
Classification: Likely benign for Hereditary cancer-predisposing syndrome. Last evaluated: 2018-04-18. Review status: criteria provided, single submitter. Criteria: Ambry Variant Classification Scheme 2023. Collection method: clinical testing. Allele origin: germline.